The following is an entry in ClinVar:

ClinVar aggregate classification (germline): Likely benign. Review status: criteria provided, multiple submitters, no conflicts (2 of 4 stars). 3 submissions from 3 submitters: Likely benign (3). Last evaluated 2025-11-16.

Conditions:
PDE6D-related disorder. Also called: PDE6D-related condition.
Joubert syndrome 22 (JBTS22). Identifiers: Orphanet 2754, MedGen C3810278, MONDO:0014297, OMIM 615665.

Allele frequency attached by ClinVar (database versions not stated): gnomAD exomes 0.00005 and 0.00020; ExAC 0.00024; ESP Exome Variant Server 0.00069; gnomAD 0.00079 and 0.00082; TOPMed 0.00091; 1000 Genomes Project 0.00200; 1000 Genomes Project 30x 0.00203.
gnomAD v4.1: 218 of 1,607,620 alleles (0.014%); highest among the groups gnomAD compares: African/African-American, 0.24%; no homozygotes.

Submissions (3):

Labcorp Genetics (formerly Invitae), Labcorp
Classification: Likely benign for Joubert syndrome 22. Last evaluated: 2025-11-16. Review status: criteria provided, single submitter. Criteria: Invitae Variant Classification Sherloc (09022015). Collection method: clinical testing. Allele origin: germline.

PreventionGenetics, part of Exact Sciences
Classification: Likely benign for PDE6D-related condition. Last evaluated: 2025-03-26. Review status: criteria provided, single submitter. Criteria: ACMG Guidelines, 2015. Collection method: clinical testing. Allele origin: germline.
Comment: This variant is classified as likely benign based on ACMG/AMP sequence variant interpretation guidelines (Richards et al. 2015 PMID: 25741868, with internal and published modifications).

Blueprint Genetics
Classification: Likely benign. Last evaluated: 2023-08-29. Review status: criteria provided, single submitter. Criteria: ACMG Guidelines, 2015. Collection method: clinical testing. Allele origin: germline.

NM_002601.4(PDE6D):c.140-3C>T

Gene: PDE6D (phosphodiesterase 6D; minus strand). Cytogenetic location: 2q37.1.
Variant type: single nucleotide variant.
Coding change: c.140-3C>T on transcript NM_002601.4 (MANE Select); 3 bases into the intron before coding-DNA position 140, C replaced by T.
Molecular consequence: intron variant.
Genome position (GRCh38, 1-based): chr2:231,738,141, G>A on the plus strand (C>T on the coding strand, the complement: PDE6D is on the minus strand). VCF-style: chr2-231738141-G-A. GRCh37 (hg19) VCF-style: chr2-232602851-G-A.
Other names: c.140-3C>T (NM_001291018.2).
Identifiers: ClinVar variation 707009 (VCV000707009.13), dbSNP rs368073853, ClinGen allele CA2163235.